The following is an entry in ClinVar:

ClinVar aggregate classification (germline): Uncertain significance (1 of 4 stars; one submission).

gnomAD v4.1: 1 of 1,210,088 alleles (0.000083%); no homozygotes.

Submission:

GeneDx
Classification: Uncertain significance. Last evaluated: 2026-09-12. Review status: criteria provided, single submitter. Criteria: GeneDx Variant Classification Process June 2021. Collection method: clinical testing. Allele origin: germline.
Comment: Not observed at significant frequency in large population cohorts (gnomAD); In silico analysis suggests that this missense variant does not alter protein structure/function; Has not been previously published as pathogenic or benign to our knowledge

NM_002444.3(MSN):c.1151G>T (p.Ser384Ile)

Gene: MSN (moesin; plus strand). Cytogenetic location: Xq12.
Variant type: single nucleotide variant.
Coding change: c.1151G>T on transcript NM_002444.3 (MANE Select); coding-DNA position 1151, G replaced by T.
Protein change: p.Ser384Ile; replaces serine 384 with isoleucine.
Molecular consequence: missense variant.
Genome position (GRCh38, 1-based): chrX:65,737,238, G>T. VCF-style: chrX-65737238-G-T. GRCh37 (hg19) VCF-style: chrX-64957100-G-T.
Other names: c.1154G>T, p.Ser385Ile (NM_001440778.1); short protein forms S384I, S385I.
Identifiers: ClinVar variation 4690108 (VCV004690108.2).